The following is an entry in ClinVar:

ClinVar aggregate classification (germline): Conflicting classifications of pathogenicity. Review status: criteria provided, conflicting classifications (1 of 4 stars). 2 submissions from 2 submitters: Uncertain significance (1); Likely benign (1). Last evaluated 2023-03-23.

Conditions:
Hereditary cancer-predisposing syndrome. Also called: Neoplastic Syndromes, Hereditary; Tumor predisposition; Hereditary neoplastic syndrome; Hereditary Cancer Syndrome. Identifiers: Orphanet 140162, MedGen C0027672, MeSH D009386, MONDO:0015356.
Hereditary breast ovarian cancer syndrome. Also called: Hereditary breast and ovarian cancer syndrome (HBOC); Hereditary breast and ovarian cancer; Hereditary breast and/or ovarian cancer syndrome; Hereditary breast and ovarian cancer syndrome; Breast and ovarian cancer; BRCA1- and BRCA2-Associated Hereditary Breast and Ovarian Cancer. Identifiers: Orphanet 145, MedGen C0677776, MeSH D061325, MONDO:0003582. Disease mechanism: loss of function.

Submissions (2):

University of Washington Department of Laboratory Medicine, University of Washington
Classification: Likely benign for Hereditary cancer-predisposing syndrome. Last evaluated: 2023-03-23. Review status: criteria provided, single submitter. Criteria: Dines et al. (Genet Med. 2020). Collection method: curation. Allele origin: germline.
Comment: Missense variant in a coldspot region where missense variants are very unlikely to be pathogenic (PMID:31911673).

BRCA2 exon 11 coldspot. Reclassification based on statistical prior probability.

Labcorp Genetics (formerly Invitae), Labcorp
Classification: Uncertain significance for Hereditary breast ovarian cancer syndrome. Last evaluated: 2018-03-31. Review status: criteria provided, single submitter. Criteria: Invitae Variant Classification Sherloc (09022015). Collection method: clinical testing. Allele origin: germline.
Comment: In summary, the available evidence is currently insufficient to determine the role of this variant in disease. Therefore, it has been classified as a Variant of Uncertain Significance. Algorithms developed to predict the effect of missense changes on protein structure and function do not agree on the potential impact of this missense change (SIFT: "Tolerated"; PolyPhen-2: "Probably Damaging"; Align-GVGD: "Class C0"). This variant has not been reported in the literature in individuals with BRCA2-related disease. This variant is not present in population databases (ExAC no frequency). This sequence change replaces isoleucine with asparagine at codon 1977 of the BRCA2 protein (p.Ile1977Asn). The isoleucine residue is weakly conserved and there is a large physicochemical difference between isoleucine and asparagine.

NM_000059.4(BRCA2):c.5930T>A (p.Ile1977Asn)

Gene: BRCA2 (BRCA2 DNA repair associated; plus strand). Cytogenetic location: 13q13.1.
Variant type: single nucleotide variant.
Coding change: c.5930T>A on transcript NM_000059.4 (MANE Select); coding-DNA position 5930, T replaced by A.
Protein change: p.Ile1977Asn; replaces isoleucine 1977 with asparagine.
Molecular consequence: missense variant.
Genome position (GRCh38, 1-based): chr13:32,340,285, T>A. VCF-style: chr13-32340285-T-A. GRCh37 (hg19) VCF-style: chr13-32914422-T-A.
Other names: short protein forms I1977N.
Identifiers: ClinVar variation 567366 (VCV000567366.10), dbSNP rs1566233570, ClinGen allele CA387787547.